The following is an entry in ClinVar:

ClinVar aggregate classification (germline): Uncertain significance (1 of 4 stars; one submission).

gnomAD v4.1: 1 of 1,614,106 alleles (0.000062%); highest among the groups gnomAD compares: Non-Finnish European, 0.000085%; no homozygotes.

Submission:

GeneDx
Classification: Uncertain significance. Last evaluated: 2025-05-27. Review status: criteria provided, single submitter. Criteria: GeneDx Variant Classification Process June 2021. Collection method: clinical testing. Allele origin: germline. Affected: yes.
Comment: Not observed at significant frequency in large population cohorts (gnomAD); In silico analysis suggests that this variant does not alter splicing; Has not been previously published as pathogenic or benign to our knowledge

NM_002972.4(SBF1):c.2271C>T (p.Ala757=)

Gene: SBF1 (SET binding factor 1; minus strand). Cytogenetic location: 22q13.33.
Variant type: single nucleotide variant.
Coding change: c.2271C>T on transcript NM_002972.4 (MANE Select); coding-DNA position 2271, C replaced by T.
Protein change: p.Ala757=; no amino-acid change (alanine 757 retained).
Molecular consequence: synonymous variant.
Genome position (GRCh38, 1-based): chr22:50,462,330, G>A on the plus strand (C>T on the coding strand, the complement: SBF1 is on the minus strand). VCF-style: chr22-50462330-G-A. GRCh37 (hg19) VCF-style: chr22-50900759-G-A.
Other names: c.2274C>T, p.Ala758= (NM_001365819.1, NM_001410794.1); c.2271C>T, p.Ala757= (NM_001410795.1).
Identifiers: ClinVar variation 4532528 (VCV004532528.1).
Genomic context (GRCh38, chr22:50,462,330, plus strand): 5'-GCGGCTCTTGCTGCTGTCCAGGGGCAGGAGGAGGTAGCTCATGCGGTTGGCATAGTGGAT[G>A]GCCTGGCTGAACACCGTGCTCTCCTCCTTCTGCACCAGCTCCTGCTGCTTCTCACGACTC-3'
Protein context (NP_002963.2, residues 747-767): QKEESTVFSQ[Ala757=]IHYANRMSYL